The following is an entry in ClinVar:

NM_000152.5(GAA):c.1839G>C (p.Trp613Cys)

Gene: GAA (alpha glucosidase; plus strand). Cytogenetic location: 17q25.3.
Variant type: single nucleotide variant.
Coding change: c.1839G>C on transcript NM_000152.5 (MANE Select); coding-DNA position 1839, G replaced by C.
Protein change: p.Trp613Cys; replaces tryptophan 613 with cysteine.
Molecular consequence: missense variant.
Genome position (GRCh38, 1-based): chr17:80,112,662, G>C. VCF-style: chr17-80112662-G-C. GRCh37 (hg19) VCF-style: chr17-78086461-G-C.
Other names: c.1839G>C, p.Trp613Cys (NM_001079803.3, NM_001079804.3, NM_001406741.1 and 1 more transcripts); short protein forms W613C.
Identifiers: ClinVar variation 4876314 (VCV004876314.1).

ClinVar aggregate classification (germline): Likely pathogenic (1 of 4 stars; one submission).

Conditions:
Glycogen storage disease, type II (IOPD). Also called: Pompe Disease; CARDIOMEGALIA GLYCOGENICA DIFFUSA; GLYCOGENOSIS, GENERALIZED, CARDIAC FORM; GSD II; POMPE DISEASE, INFANTILE-ONSET; GLYCOGEN STORAGE DISEASE II, INFANTILE-ONSET. Identifiers: Orphanet 365, MedGen C0017921, MONDO:0009290, OMIM 232300.

Submission:

Genomenon, Inc
Classification: Likely pathogenic for Glycogen storage disease, type II. Last evaluated: 2026-07-01. Review status: criteria provided, single submitter. Criteria: Genomenon Sequence Variant Interpretation Standards - Updated. Collection method: curation. Allele origin: germline. Affected: yes.
Comment: GAA p.Trp613Cys (c.1839G>C) is a missense variant that changes the amino acid at codon 613 from Tryptophan to Cysteine. This variant has been observed in at least one proband with a GAA-related disorder in the compound heterozygous and/or homozygous state (PMID:32248831). The variant is located in a mutational hotspot and/or important functional domain. It is absent or not present at a significant frequency in gnomAD. In silico models predict that this variant is possibly or probably damaging. In conclusion, we classify GAA p.Trp613Cys (c.1839G>C) as a likely pathogenic variant.

Literature cited by the submitters: PubMed 32248831.